The following is an entry in ClinVar:

ClinVar aggregate classification (germline): Uncertain significance (1 of 4 stars; one submission).

Conditions:
Epilepsy. Also called: Seizure disorder. Identifiers: MedGen C0014544, MeSH D004827, MONDO:0005027.

Submission:

Labcorp Genetics (formerly Invitae), Labcorp
Classification: Uncertain significance for Epilepsy. Last evaluated: 2022-10-17. Review status: criteria provided, single submitter. Criteria: Invitae Variant Classification Sherloc (09022015). Collection method: clinical testing. Allele origin: germline.
Comment: In summary, the available evidence is currently insufficient to determine the role of this variant in disease. Therefore, it has been classified as a Variant of Uncertain Significance. Algorithms developed to predict the effect of missense changes on protein structure and function are either unavailable or do not agree on the potential impact of this missense change (SIFT: "Deleterious"; PolyPhen-2: "Probably Damaging"; Align-GVGD: "Class C0"). ClinVar contains an entry for this variant (Variation ID: 1472917). This variant has not been reported in the literature in individuals affected with PIGQ-related conditions. This variant is not present in population databases (gnomAD no frequency). This sequence change replaces leucine, which is neutral and non-polar, with proline, which is neutral and non-polar, at codon 201 of the PIGQ protein (p.Leu201Pro).

NM_004204.5(PIGQ):c.602T>C (p.Leu201Pro)

Gene: PIGQ (phosphatidylinositol glycan anchor biosynthesis class Q; plus strand). Cytogenetic location: 16p13.3.
Variant type: single nucleotide variant.
Coding change: c.602T>C on transcript NM_004204.5 (MANE Select); coding-DNA position 602, T replaced by C.
Protein change: p.Leu201Pro; replaces leucine 201 with proline.
Molecular consequence: missense variant.
Genome position (GRCh38, 1-based): chr16:574,676, T>C. VCF-style: chr16-574676-T-C. GRCh37 (hg19) VCF-style: chr16-624676-T-C.
Other names: c.602T>C, p.Leu201Pro (NM_148920.4); short protein forms L201P.
Identifiers: ClinVar variation 1472917 (VCV001472917.6), dbSNP rs2151044641, ClinGen allele CA394049636.